The following is an entry in ClinVar:

ClinVar aggregate classification (germline): Uncertain significance (1 of 4 stars; one submission).

Conditions:
Congenital disorder of glycosylation, type IIaa (CDG2AA). Also called: CDG IIaa. Identifiers: MedGen C5830651, MONDO:0957540, OMIM 620454.

Submission:

Juno Genomics, Hangzhou Juno Genomics, Inc
Classification: Uncertain significance for Congenital disorder of glycosylation, type IIaa. Review status: criteria provided, single submitter. Criteria: ACMG Guidelines, 2015. Collection method: clinical testing. Allele origin: germline.
Comment: Absent from controls (or at extremely low frequency if recessive) in Genome Aggregation Database.;Multiple lines of computational evidence support a deleterious effect on the gene or gene product.

NM_003164.5(STX5):c.424-34T>C

Gene: STX5 (syntaxin 5; minus strand). Cytogenetic location: 11q12.3.
Variant type: single nucleotide variant.
Coding change: c.424-34T>C on transcript NM_003164.5 (MANE Select); 34 bases into the intron before coding-DNA position 424, T replaced by C.
Molecular consequence: intron variant.
Genome position (GRCh38, 1-based): chr11:62,825,573, A>G on the plus strand (T>C on the coding strand, the complement: STX5 is on the minus strand). VCF-style: chr11-62825573-A-G. GRCh37 (hg19) VCF-style: chr11-62593045-A-G.
Other names: c.262-34T>C (NM_001330294.2); c.424-34T>C (NM_001244666.3).
Identifiers: ClinVar variation 5019972 (VCV005019972.2).